The following is an entry in ClinVar:

NM_004364.5(CEBPA):c.622T>G (p.Phe208Val)

Gene: CEBPA (CCAAT enhancer binding protein alpha; minus strand). Cytogenetic location: 19q13.11.
Variant type: single nucleotide variant.
Coding change: c.622T>G on transcript NM_004364.5 (MANE Select); coding-DNA position 622, T replaced by G.
Protein change: p.Phe208Val; replaces phenylalanine 208 with valine.
Molecular consequence: missense variant.
Genome position (GRCh38, 1-based): chr19:33,301,793, A>C on the plus strand (T>G on the coding strand, the complement: CEBPA is on the minus strand). VCF-style: chr19-33301793-A-C. GRCh37 (hg19) VCF-style: chr19-33792699-A-C.
Other names: c.265T>G, p.Phe89Val (NM_001285829.2); c.727T>G, p.Phe243Val (NM_001287424.2); c.580T>G, p.Phe194Val (NM_001287435.2); short protein forms F194V, F243V, F208V, F89V.
Identifiers: ClinVar variation 2904684 (VCV002904684.4), dbSNP rs2145260943, ClinGen allele CA405274561.

ClinVar aggregate classification (germline): Uncertain significance. Review status: criteria provided, multiple submitters, no conflicts (2 of 4 stars). 2 submissions from 2 submitters: Uncertain significance (2). Last evaluated 2025-08-02.

Conditions:
Acute myeloid leukemia (AML). Also called: Acute myeloid leukemia, adult; AML adult; Acute non-lymphocytic leukemia; Acute granulocytic leukemia; Leukemia, acute myeloid, somatic; Leukemia, acute myelogenous, somatic. Identifiers: Orphanet 519, MedGen C0023467, MeSH D015470, MONDO:0018874, OMIM 601626, HP:0004808. Disease mechanism: Constitutively activated FLT3.
Inborn genetic diseases. Identifiers: MedGen C0950123, MeSH D030342.

Allele frequency attached by ClinVar (database versions not stated): gnomAD exomes below 0.00001.

Submissions (2):

Ambry Genetics
Classification: Uncertain significance for Inborn genetic diseases. Last evaluated: 2025-08-02. Review status: criteria provided, single submitter. Criteria: Ambry Variant Classification Scheme 2023. Collection method: clinical testing. Allele origin: germline.
Comment: The p.F208V variant (also known as c.622T>G), located in coding exon 1 of the CEBPA gene, results from a T to G substitution at nucleotide position 622. The phenylalanine at codon 208 is replaced by valine, an amino acid with highly similar properties. This amino acid position is conserved. In addition, this alteration is predicted to be tolerated by in silico analysis. Based on the available evidence, the clinical significance of this variant remains unclear.

Labcorp Genetics (formerly Invitae), Labcorp
Classification: Uncertain significance for Acute myeloid leukemia. Last evaluated: 2023-02-15. Review status: criteria provided, single submitter. Criteria: Invitae Variant Classification Sherloc (09022015). Collection method: clinical testing. Allele origin: germline.
Comment: Advanced modeling of protein sequence and biophysical properties (such as structural, functional, and spatial information, amino acid conservation, physicochemical variation, residue mobility, and thermodynamic stability) performed at Invitae indicates that this missense variant is not expected to disrupt CEBPA protein function. This variant has not been reported in the literature in individuals affected with CEBPA-related conditions. This variant is not present in population databases (gnomAD no frequency). This sequence change replaces phenylalanine, which is neutral and non-polar, with valine, which is neutral and non-polar, at codon 208 of the CEBPA protein (p.Phe208Val). In summary, the available evidence is currently insufficient to determine the role of this variant in disease. Therefore, it has been classified as a Variant of Uncertain Significance.